The following is an entry in ClinVar:

NM_000489.6(ATRX):c.3950A>C (p.Lys1317Thr)

Gene: ATRX (ATRX chromatin remodeler; minus strand). Cytogenetic location: Xq21.1.
Variant type: single nucleotide variant.
Coding change: c.3950A>C on transcript NM_000489.6 (MANE Select); coding-DNA position 3950, A replaced by C.
Protein change: p.Lys1317Thr; replaces lysine 1317 with threonine.
Molecular consequence: missense variant.
Genome position (GRCh38, 1-based): chrX:77,663,552, T>G on the plus strand (A>C on the coding strand, the complement: ATRX is on the minus strand). VCF-style: chrX-77663552-T-G. GRCh37 (hg19) VCF-style: chrX-76919041-T-G.
Other names: c.3836A>C, p.Lys1279Thr (NM_138270.5); short protein forms K1279T, K1317T.
Identifiers: ClinVar variation 2788725 (VCV002788725.3), dbSNP rs2070047078, ClinGen allele CA413699789.
Genomic context (GRCh38, chrX:77,663,552, plus strand): 5'-CTGTATCTTGGCTTCTTAGATTCTTCAGAATCTGAATCTGATTCAGAATTGACTTGATTT[T>G]TTGCTTCTAAATGAAGGAAATAAATCAATAAAACCTTCTTCAGCCTTTAAAATGCCTCGT-3'
Protein context (NP_000480.3, residues 1307-1327): NEENPGDEEA[Lys1317Thr]NQVNSESDSD

ClinVar aggregate classification (germline): Uncertain significance (1 of 4 stars; one submission).

Conditions:
Alpha thalassemia-X-linked intellectual disability syndrome (ATRX). Also called: ALPHA-THALASSEMIA/MENTAL RETARDATION SYNDROME, X-LINKED; ATR, NONDELETION TYPE; ATR-X syndrome; Alpha thalassemia mental retardation syndrome, nondeletion type, X-linked; XLMR hypotonic face syndrome; X-linked alpha-thalassemia-mental retardation syndrome. Identifiers: Orphanet 847, MedGen C1845055, MONDO:0010519, OMIM 301040.

Submission:

Labcorp Genetics (formerly Invitae), Labcorp
Classification: Uncertain significance for Alpha thalassemia-X-linked intellectual disability syndrome. Last evaluated: 2023-04-09. Review status: criteria provided, single submitter. Criteria: Invitae Variant Classification Sherloc (09022015). Collection method: clinical testing. Allele origin: germline.
Comment: In summary, the available evidence is currently insufficient to determine the role of this variant in disease. Therefore, it has been classified as a Variant of Uncertain Significance. Advanced modeling of protein sequence and biophysical properties (such as structural, functional, and spatial information, amino acid conservation, physicochemical variation, residue mobility, and thermodynamic stability) performed at Invitae indicates that this missense variant is not expected to disrupt ATRX protein function. This variant has not been reported in the literature in individuals affected with ATRX-related conditions. This variant is not present in population databases (gnomAD no frequency). This sequence change replaces lysine, which is basic and polar, with threonine, which is neutral and polar, at codon 1317 of the ATRX protein (p.Lys1317Thr).